The following is an entry in ClinVar:

ClinVar aggregate classification (germline): Likely pathogenic (1 of 4 stars; one submission).

Submission:

Labcorp Genetics (formerly Invitae), Labcorp
Classification: Likely pathogenic. Last evaluated: 2023-06-09. Review status: criteria provided, single submitter. Criteria: Invitae Variant Classification Sherloc (09022015). Collection method: clinical testing. Allele origin: germline.
Comment: Algorithms developed to predict the effect of sequence changes on RNA splicing suggest that this variant may disrupt the consensus splice site. In summary, the currently available evidence indicates that the variant is pathogenic, but additional data are needed to prove that conclusively. Therefore, this variant has been classified as Likely Pathogenic. This variant has not been reported in the literature in individuals affected with CHD8-related conditions. This variant is not present in population databases (gnomAD no frequency). This sequence change affects an acceptor splice site in intron 1 of the CHD8 gene. It is expected to disrupt RNA splicing. Variants that disrupt the donor or acceptor splice site typically lead to a loss of protein function (PMID: 16199547), and loss-of-function variants in CHD8 are known to be pathogenic (PMID: 24998929, 26789910).

Literature cited by the submitters: PubMed 16199547; PubMed 24998929; PubMed 26789910.

NM_001170629.2(CHD8):c.844-1G>C

Gene: CHD8 (chromodomain helicase DNA binding protein 8; minus strand). Cytogenetic location: 14q11.2.
Variant type: single nucleotide variant.
Coding change: c.844-1G>C on transcript NM_001170629.2 (MANE Select); the canonical splice acceptor site of the intron before coding-DNA position 844, G replaced by C.
Molecular consequence: splice acceptor variant.
Genome position (GRCh38, 1-based): chr14:21,429,336, C>G on the plus strand (G>C on the coding strand, the complement: CHD8 is on the minus strand). VCF-style: chr14-21429336-C-G. GRCh37 (hg19) VCF-style: chr14-21897495-C-G.
Other names: c.7-1G>C (NM_020920.4).
Identifiers: ClinVar variation 2703398 (VCV002703398.3), dbSNP rs2502007835, ClinGen allele CA388885836.